The following is an entry in ClinVar:

NM_003491.4(NAA10):c.376C>G (p.Leu126Val)

Gene: NAA10 (N-alpha-acetyltransferase 10, NatA catalytic subunit; minus strand). Cytogenetic location: Xq28.
Variant type: single nucleotide variant.
Coding change: c.376C>G on transcript NM_003491.4 (MANE Select); coding-DNA position 376, C replaced by G.
Protein change: p.Leu126Val; replaces leucine 126 with valine.
Molecular consequence: missense variant. On other transcripts: intron variant (1).
Genome position (GRCh38, 1-based): chrX:153,932,081, G>C on the plus strand (C>G on the coding strand, the complement: NAA10 is on the minus strand). VCF-style: chrX-153932081-G-C. GRCh37 (hg19) VCF-style: chrX-153197534-G-C.
Other names: c.358C>G, p.Leu120Val (NM_001256120.2); c.341+235C>G (NM_001256119.2); short protein forms L120V, L126V.
Identifiers: ClinVar variation 1299213 (VCV001299213.35), dbSNP rs2148535042, ClinGen allele CA415158546.

ClinVar aggregate classification (germline): Likely pathogenic. Review status: criteria provided, multiple submitters, no conflicts (2 of 4 stars). 2 submissions from 2 submitters: Likely pathogenic (2). Last evaluated 2025-01-26.

Conditions:
Ogden syndrome (OGDNS). Also called: N-TERMINAL ACETYLTRANSFERASE DEFICIENCY. Identifiers: Orphanet 276432, MedGen C3275447, MONDO:0010457, OMIM 300855.

Submissions (2):

3billion
Classification: Likely pathogenic for Ogden syndrome. Last evaluated: 2025-01-26. Review status: criteria provided, single submitter. Criteria: ACMG Guidelines, 2015. Collection method: clinical testing. Allele origin: germline. Affected: yes.
Comment: The variant is not observed in the gnomAD v4.1.0 dataset. Predicted Consequence/Location: Missense variant. Missense changes are a common disease-causing mechanism. In silico tool predictions suggest damaging effect of the variant on gene or gene product [REVEL: 0.51 (>=0.6, sensitivity 0.68 and specificity 0.92); 3Cnet: 0.99 (>=0.6, sensitivity 0.72 and precision 0.9)]. The same nucleotide change resulting in the same amino acid change has been previously reported to be associated with NAA10-related disorder (ClinVar ID: VCV001299213). A different missense change at the same codon (p.Leu126Arg) has been reported to be associated with NAA10-related disorder (ClinVar ID: VCV000804121). Therefore, this variant is classified as Likely pathogenic according to the recommendation of ACMG/AMP guideline.

CeGaT Center for Human Genetics Tuebingen
Classification: Likely pathogenic. Last evaluated: 2021-07-01. Review status: criteria provided, single submitter. Criteria: CeGaT Center For Human Genetics Tuebingen Variant Classification Criteria Version 2. Collection method: clinical testing. Allele origin: germline. Affected: yes. Observed: 1 variant allele.